The following is an entry in ClinVar:

NM_000642.3(AGL):c.2068G>T (p.Gly690Cys)

Gene: AGL (amylo-alpha-1,6-glucosidase and 4-alpha-glucanotransferase; plus strand). Cytogenetic location: 1p21.2.
Variant type: single nucleotide variant.
Coding change: c.2068G>T on transcript NM_000642.3 (MANE Select); coding-DNA position 2068, G replaced by T.
Protein change: p.Gly690Cys; replaces glycine 690 with cysteine.
Molecular consequence: missense variant.
Genome position (GRCh38, 1-based): chr1:99,881,358, G>T. VCF-style: chr1-99881358-G-T. GRCh37 (hg19) VCF-style: chr1-100346914-G-T.
Other names: c.2068G>T, p.Gly690Cys (NM_000028.3, NM_000643.3, NM_000644.3 and 2 more transcripts); c.2020G>T, p.Gly674Cys (NM_000646.3); c.1867G>T, p.Gly623Cys (NM_001425327.1); c.1864G>T, p.Gly622Cys (NM_001425328.1, NM_001425329.1); c.1690G>T, p.Gly564Cys (NM_001425332.1); short protein forms G690C, G674C, G564C, G622C, G623C.
Identifiers: ClinVar variation 940734 (VCV000940734.10), dbSNP rs780205320, ClinGen allele CA966686.
Genomic context (GRCh38, chr1:99,881,358, plus strand): 5'-GTGGTTTCTGAAGAACGGTTTTACACTAAGTGGAATCCTGAAGCATTGCCTTCAAACACA[G>T]GTGAAGTTAATTTCCAAAGCGGCATTATTGCAGCCAGGTGTGCTATCAGTAAACTTCATC-3'
Protein context (NP_000633.2, residues 680-700): WNPEALPSNT[Gly690Cys]EVNFQSGIIA

ClinVar aggregate classification (germline): Uncertain significance. Review status: criteria provided, multiple submitters, no conflicts (2 of 4 stars). 4 submissions from 4 submitters: Uncertain significance (3). 1 of the submissions does not count toward it. Last evaluated 2025-06-07.

Conditions:
Glycogen storage disease type III (GSD3). Also called: Cori disease; FORBES DISEASE. Identifiers: Orphanet 366, MedGen C0017922, MONDO:0009291, OMIM 232400.
Inborn genetic diseases. Identifiers: MedGen C0950123, MeSH D030342.

Allele frequency attached by ClinVar (database versions not stated): TOPMed below 0.00001; ExAC 0.00001; gnomAD exomes 0.00001.
gnomAD v4.1: 16 of 1,614,124 alleles (0.00099%); highest among the groups gnomAD compares: Middle Eastern, 0.016%; no homozygotes.

Submissions (4):

Ambry Genetics
Classification: Uncertain significance for Inborn genetic diseases. Last evaluated: 2025-06-07. Review status: criteria provided, single submitter. Criteria: Ambry Variant Classification Scheme 2023. Collection method: clinical testing. Allele origin: germline.

Genome-Nilou Lab
Classification: Uncertain significance for Glycogen storage disease type III. Last evaluated: 2023-04-11. Review status: criteria provided, single submitter. Criteria: ACMG Guidelines, 2015. Collection method: clinical testing. Allele origin: germline. Affected: no.

Labcorp Genetics (formerly Invitae), Labcorp
Classification: Uncertain significance for Glycogen storage disease type III. Last evaluated: 2022-07-05. Review status: criteria provided, single submitter. Criteria: Invitae Variant Classification Sherloc (09022015). Collection method: clinical testing. Allele origin: germline.
Comment: This sequence change replaces glycine, which is neutral and non-polar, with cysteine, which is neutral and slightly polar, at codon 690 of the AGL protein (p.Gly690Cys). This variant is present in population databases (rs780205320, gnomAD 0.006%). This variant has not been reported in the literature in individuals affected with AGL-related conditions. ClinVar contains an entry for this variant (Variation ID: 940734). Algorithms developed to predict the effect of missense changes on protein structure and function are either unavailable or do not agree on the potential impact of this missense change (SIFT: "Deleterious"; PolyPhen-2: "Benign"; Align-GVGD: "Class C0"). Algorithms developed to predict the effect of sequence changes on RNA splicing suggest that this variant may disrupt the consensus splice site. In summary, the available evidence is currently insufficient to determine the role of this variant in disease. Therefore, it has been classified as a Variant of Uncertain Significance.

Natera, Inc.
Classification: Uncertain significance for Glycogen storage disease type III. Last evaluated: 2020-05-08. Review status: no assertion criteria provided. Collection method: clinical testing. Allele origin: germline. Not counted in ClinVar's aggregate classification.